The following is an entry in ClinVar:

ClinVar aggregate classification (germline): Likely benign. Review status: criteria provided, multiple submitters, no conflicts (2 of 4 stars). 4 submissions from 4 submitters: Likely benign (2). 2 of the submissions do not count toward it. Last evaluated 2026-01-27.

Conditions:
ACOX1-related disorder. Also called: ACOX1-related condition; ACOX1-related disorders.
Acyl-CoA oxidase deficiency. Also called: Pseudoneonatal adrenoleukodystrophy; STRAIGHT-CHAIN ACYL-CoA OXIDASE DEFICIENCY; Peroxisomal acyl-CoA oxidase deficiency. Identifiers: Orphanet 2971, MedGen C1849678, MONDO:0009919, OMIM 264470. Disease mechanism: loss of function.

Allele frequency attached by ClinVar (database versions not stated): gnomAD exomes 0.00004 and 0.00008; ExAC 0.00011; ESP Exome Variant Server 0.00015; gnomAD 0.00016 and 0.00018; TOPMed 0.00024.
gnomAD v4.1: 89 of 1,613,954 alleles (0.0055%); highest among the groups gnomAD compares: African/African-American, 0.045%; no homozygotes.

Submissions (4):

Labcorp Genetics (formerly Invitae), Labcorp
Classification: Likely benign for Acyl-CoA oxidase deficiency. Last evaluated: 2026-01-27. Review status: criteria provided, single submitter. Criteria: Invitae Variant Classification Sherloc (09022015). Collection method: clinical testing. Allele origin: germline.

CeGaT Center for Human Genetics Tuebingen
Classification: Likely benign. Last evaluated: 2026-01-01. Review status: criteria provided, single submitter. Criteria: CeGaT Center For Human Genetics Tuebingen Variant Classification Criteria Version 2. Collection method: clinical testing. Allele origin: germline. Affected: yes. Observed: 1 variant allele.
Comment: ACOX1: BP4, BP7

Natera, Inc.
Classification: Likely benign for Peroxisomal acyl-CoA oxidase deficiency. Last evaluated: 2020-06-18. Review status: no assertion criteria provided. Collection method: clinical testing. Allele origin: germline. Not counted in ClinVar's aggregate classification.

PreventionGenetics, part of Exact Sciences
Classification: Likely benign for ACOX1-related condition. Last evaluated: 2019-06-11. Review status: no assertion criteria provided. Collection method: clinical testing. Allele origin: germline. Not counted in ClinVar's aggregate classification.
Comment: This variant is classified as likely benign based on ACMG/AMP sequence variant interpretation guidelines (Richards et al. 2015 PMID: 25741868, with internal and published modifications).

NM_004035.7(ACOX1):c.465G>A (p.Thr155=)

Gene: ACOX1 (acyl-CoA oxidase 1; minus strand). Cytogenetic location: 17q25.1.
Variant type: single nucleotide variant.
Coding change: c.465G>A on transcript NM_004035.7 (MANE Select); coding-DNA position 465, G replaced by A.
Protein change: p.Thr155=; no amino-acid change (threonine 155 retained).
Molecular consequence: synonymous variant.
Genome position (GRCh38, 1-based): chr17:75,957,532, C>T on the plus strand (G>A on the coding strand, the complement: ACOX1 is on the minus strand). VCF-style: chr17-75957532-C-T. GRCh37 (hg19) VCF-style: chr17-73953613-C-T.
Other names: c.351G>A, p.Thr117= (NM_001185039.2); c.465G>A, p.Thr155= (NM_007292.6).
Identifiers: ClinVar variation 743000 (VCV000743000.17), dbSNP rs148934573, ClinGen allele CA8777007.